The following is an entry in ClinVar:

NM_014754.3(PTDSS1):c.53A>G (p.Lys18Arg)

Gene: PTDSS1 (phosphatidylserine synthase 1; plus strand). Cytogenetic location: 8q22.1.
Variant type: single nucleotide variant.
Coding change: c.53A>G on transcript NM_014754.3 (MANE Select); coding-DNA position 53, A replaced by G.
Protein change: p.Lys18Arg; replaces lysine 18 with arginine.
Molecular consequence: missense variant. On other transcripts: 5 prime UTR variant (1).
Genome position (GRCh38, 1-based): chr8:96,262,093, A>G. VCF-style: chr8-96262093-A-G. GRCh37 (hg19) VCF-style: chr8-97274321-A-G.
Other names: c.-216A>G (NM_001290225.2); short protein forms K18R.
Identifiers: ClinVar variation 2096150 (VCV002096150.4), dbSNP rs759201091, ClinGen allele CA4816462.

ClinVar aggregate classification (germline): Uncertain significance (1 of 4 stars; one submission).

Allele frequency attached by ClinVar (database versions not stated): gnomAD 0.00001; TOPMed 0.00001; ExAC 0.00002; gnomAD exomes 0.00002.
gnomAD v4.1: 27 of 1,613,752 alleles (0.0017%); highest among the groups gnomAD compares: South Asian, 0.027%; 2 homozygotes.

Submission:

Labcorp Genetics (formerly Invitae), Labcorp
Classification: Uncertain significance. Last evaluated: 2022-04-29. Review status: criteria provided, single submitter. Criteria: Invitae Variant Classification Sherloc (09022015). Collection method: clinical testing. Allele origin: germline.
Comment: In summary, the available evidence is currently insufficient to determine the role of this variant in disease. Therefore, it has been classified as a Variant of Uncertain Significance. Algorithms developed to predict the effect of missense changes on protein structure and function output the following: SIFT: "Tolerated"; PolyPhen-2: "Benign"; Align-GVGD: "Class C0". The arginine amino acid residue is found in multiple mammalian species, which suggests that this missense change does not adversely affect protein function. This variant has not been reported in the literature in individuals affected with PTDSS1-related conditions. This variant is present in population databases (rs759201091, gnomAD 0.02%), including at least one homozygous and/or hemizygous individual. This sequence change replaces lysine, which is basic and polar, with arginine, which is basic and polar, at codon 18 of the PTDSS1 protein (p.Lys18Arg).